The following is an entry in ClinVar:

NM_001182.5(ALDH7A1):c.61C>A (p.Pro21Thr)

Gene: ALDH7A1 (aldehyde dehydrogenase 7 family member A1; minus strand). Cytogenetic location: 5q23.2.
Variant type: single nucleotide variant.
Coding change: c.61C>A on transcript NM_001182.5 (MANE Select); coding-DNA position 61, C replaced by A.
Protein change: p.Pro21Thr; replaces proline 21 with threonine.
Molecular consequence: missense variant. On other transcripts: 5 prime UTR variant (1).
Genome position (GRCh38, 1-based): chr5:126,595,138, G>T on the plus strand (C>A on the coding strand, the complement: ALDH7A1 is on the minus strand). VCF-style: chr5-126595138-G-T. GRCh37 (hg19) VCF-style: chr5-125930830-G-T.
Other names: c.-24C>A (NM_001201377.2); c.61C>A, p.Pro21Thr (NM_001202404.2); short protein forms P21T.
Identifiers: ClinVar variation 1404728 (VCV001404728.8), dbSNP rs2112820209, ClinGen allele CA360733927.

ClinVar aggregate classification (germline): Uncertain significance (1 of 4 stars; one submission).

Conditions:
Pyridoxine-dependent epilepsy (EPEO4). Also called: Pyridoxine-Dependent Epilepsy - ALDH7A1; PYRIDOXINE DEPENDENCY WITH SEIZURES; EPILEPSY, EARLY-ONSET, 4, VITAMIN B6-DEPENDENT; Pyridoxine-Dependent Seizures. Identifiers: Orphanet 3006, MedGen C1849508, MONDO:0009945, OMIM 266100. Disease mechanism: loss of function.

Submission:

Labcorp Genetics (formerly Invitae), Labcorp
Classification: Uncertain significance for Pyridoxine-dependent epilepsy. Last evaluated: 2021-01-20. Review status: criteria provided, single submitter. Criteria: Invitae Variant Classification Sherloc (09022015). Collection method: clinical testing. Allele origin: germline.
Comment: This sequence change replaces proline with threonine at codon 21 of the ALDH7A1 protein (p.Pro21Thr). The proline residue is weakly conserved and there is a small physicochemical difference between proline and threonine. This variant is not present in population databases (ExAC no frequency). This variant has not been reported in the literature in individuals with ALDH7A1-related conditions. Advanced modeling of protein sequence and biophysical properties (such as structural, functional, and spatial information, amino acid conservation, physicochemical variation, residue mobility, and thermodynamic stability) performed at Invitae indicates that this missense variant is not expected to disrupt ALDH7A1 protein function. In summary, the available evidence is currently insufficient to determine the role of this variant in disease. Therefore, it has been classified as a Variant of Uncertain Significance.